The following is an entry in ClinVar:

ClinVar aggregate classification (germline): Uncertain significance (1 of 4 stars; one submission).

Submission:

Women's Health and Genetics/Laboratory Corporation of America, LabCorp
Classification: Uncertain significance. Last evaluated: 2024-05-06. Review status: criteria provided, single submitter. Criteria: LabCorp Variant Classification Summary - May 2015. Collection method: clinical testing. Allele origin: germline.
Comment: Variant summary: GRIA1 c.968G>C (p.Cys323Ser) results in a non-conservative amino acid change located in the ligand binding region (IPR001828) of the encoded protein sequence. Three of five in-silico tools predict a damaging effect of the variant on protein function. The variant was absent in 236648 control chromosomes (gnomAD). The available data on variant occurrences in the general population are insufficient to allow any conclusion about variant significance. To our knowledge, no occurrence of c.968G>C in individuals affected with Intellectual Developmental Disorder, Autosomal Dominant 67 and no experimental evidence demonstrating its impact on protein function have been reported. No submitters have cited clinical-significance assessments for this variant to ClinVar. Based on the evidence outlined above, the variant was classified as uncertain significance.

NM_000827.4(GRIA1):c.968G>C (p.Cys323Ser)

Gene: GRIA1 (glutamate ionotropic receptor AMPA type subunit 1; plus strand). Cytogenetic location: 5q33.2.
Variant type: single nucleotide variant.
Coding change: c.968G>C on transcript NM_000827.4 (MANE Select); coding-DNA position 968, G replaced by C.
Protein change: p.Cys323Ser; replaces cysteine 323 with serine.
Molecular consequence: missense variant. On other transcripts: non-coding transcript variant (2), intron variant (1).
Genome position (GRCh38, 1-based): chr5:153,677,100, G>C. VCF-style: chr5-153677100-G-C. GRCh37 (hg19) VCF-style: chr5-153056660-G-C.
Other names: c.968G>C, p.Cys323Ser (NM_001114183.2); c.728G>C, p.Cys243Ser (NM_001258019.2); c.683G>C, p.Cys228Ser (NM_001258020.2); c.998G>C, p.Cys333Ser (NM_001258021.2, NM_001258022.2); c.761G>C, p.Cys254Ser (NM_001258023.1, NM_001364167.2); c.995G>C, p.Cys332Ser (NM_001364166.2); c.861+2439G>C (NM_001364165.2); short protein forms C228S, C243S, C254S, C323S, C332S, C333S.
Identifiers: ClinVar variation 3336176 (VCV003336176.1).